The following is an entry in ClinVar:

ClinVar aggregate classification (germline): Likely benign (0 of 4 stars; one submission).

Conditions:
SLCO1B3-related disorder. Also called: SLCO1B3-related condition.

Submission:

PreventionGenetics, part of Exact Sciences
Classification: Likely benign for SLCO1B3-related condition. Last evaluated: 2024-04-17. Review status: no assertion criteria provided. Collection method: clinical testing. Allele origin: germline.
Comment: This variant is classified as likely benign based on ACMG/AMP sequence variant interpretation guidelines (Richards et al. 2015 PMID: 25741868, with internal and published modifications).

NM_019844.4(SLCO1B3):c.141_143del (p.Ile47del)

Genes: SLCO1B3 (solute carrier organic anion transporter family member 1B3; plus strand), SLCO1B3-SLCO1B7 (SLCO1B3-SLCO1B7 readthrough; plus strand). Cytogenetic location: 12p12.2.
Variant type: Deletion.
Coding change: c.141_143del on transcript NM_019844.4 (MANE Select); coding-DNA positions 141 to 143, 3 bases deleted (TAT; older notation c.141_143delTAT).
Protein change: p.Ile47del; deletes isoleucine 47.
Molecular consequence: inframe deletion.
Genome position (GRCh38, 1-based): chr12:20,855,084-20,855,086, TAT deleted; deleting any 3 consecutive bases within chr12:20,855,082-20,855,086 gives the same sequence; the c. name uses the placement nearest the transcript's 3' end. VCF-style (leftmost placement, unchanged base first): chr12-20855081-CATT-C. GRCh37 (hg19) VCF-style: chr12-21008015-CATT-C.
Other names: c.141_143del, p.Ile47del (NM_001371097.1); c.57_59del, p.Ile19del (NM_001349920.2); short protein forms I19del, I47del.
Identifiers: ClinVar variation 3351019 (VCV003351019.1).